The following is an entry in ClinVar:

NM_004656.4(BAP1):c.1372G>A (p.Asp458Asn)

Gene: BAP1 (BRCA1 associated deubiquitinase 1; minus strand). Cytogenetic location: 3p21.1.
Variant type: single nucleotide variant.
Coding change: c.1372G>A on transcript NM_004656.4 (MANE Select); coding-DNA position 1372, G replaced by A.
Protein change: p.Asp458Asn; replaces aspartic acid 458 with asparagine.
Molecular consequence: missense variant.
Genome position (GRCh38, 1-based): chr3:52,403,773, C>T on the plus strand (G>A on the coding strand, the complement: BAP1 is on the minus strand). VCF-style: chr3-52403773-C-T. GRCh37 (hg19) VCF-style: chr3-52437789-C-T.
Other names: c.1318G>A, p.Asp440Asn (NM_001410772.1); short protein forms D440N, D458N.
Identifiers: ClinVar variation 2055179 (VCV002055179.4), dbSNP rs2471329639, ClinGen allele CA353101734.

ClinVar aggregate classification (germline): Uncertain significance (1 of 4 stars; one submission).

Conditions:
BAP1-related tumor predisposition syndrome (TPDS1). Also called: BAP1 tumor predisposition syndrome; Tumor susceptibility linked to germline BAP1 mutations; COMMON Syndrome; TUMOR PREDISPOSITION SYNDROME 1. Identifiers: Orphanet 289539, MedGen C3280492, MONDO:0013692, OMIM 614327.

Allele frequency attached by ClinVar (database versions not stated): gnomAD exomes below 0.00001.

Submission:

Labcorp Genetics (formerly Invitae), Labcorp
Classification: Uncertain significance for BAP1-related tumor predisposition syndrome. Last evaluated: 2021-12-23. Review status: criteria provided, single submitter. Criteria: Invitae Variant Classification Sherloc (09022015). Collection method: clinical testing. Allele origin: germline.
Comment: In summary, the available evidence is currently insufficient to determine the role of this variant in disease. Therefore, it has been classified as a Variant of Uncertain Significance. This sequence change replaces aspartic acid, which is acidic and polar, with asparagine, which is neutral and polar, at codon 458 of the BAP1 protein (p.Asp458Asn). This variant is not present in population databases (gnomAD no frequency). This variant has not been reported in the literature in individuals affected with BAP1-related conditions. Algorithms developed to predict the effect of missense changes on protein structure and function (SIFT, PolyPhen-2, Align-GVGD) all suggest that this variant is likely to be tolerated.